The following is an entry in ClinVar:

NM_004958.4(MTOR):c.610G>A (p.Ala204Thr)

Gene: MTOR (mechanistic target of rapamycin kinase; minus strand). Cytogenetic location: 1p36.22.
Variant type: single nucleotide variant.
Coding change: c.610G>A on transcript NM_004958.4 (MANE Select); coding-DNA position 610, G replaced by A.
Protein change: p.Ala204Thr; replaces alanine 204 with threonine.
Molecular consequence: missense variant.
Genome position (GRCh38, 1-based): chr1:11,256,087, C>T on the plus strand (G>A on the coding strand, the complement: MTOR is on the minus strand). VCF-style: chr1-11256087-C-T. GRCh37 (hg19) VCF-style: chr1-11316144-C-T.
Other names: c.610G>A (LRG_734t1); short protein forms A204T.
Identifiers: ClinVar variation 639135 (VCV000639135.8), dbSNP rs1253412423, ClinGen allele CA338402945.

ClinVar aggregate classification (germline): Uncertain significance (1 of 4 stars; one submission).

Allele frequency attached by ClinVar (database versions not stated): TOPMed below 0.00001; gnomAD 0.00001.
gnomAD v4.1: 1 of 1,613,996 alleles (0.000062%); highest among the groups gnomAD compares: African/African-American, 0.0013%; no homozygotes.

Submission:

Labcorp Genetics (formerly Invitae), Labcorp
Classification: Uncertain significance. Last evaluated: 2024-10-29. Review status: criteria provided, single submitter. Criteria: Invitae Variant Classification Sherloc (09022015). Collection method: clinical testing. Allele origin: germline.
Comment: This sequence change replaces alanine, which is neutral and non-polar, with threonine, which is neutral and polar, at codon 204 of the MTOR protein (p.Ala204Thr). This variant is not present in population databases (gnomAD no frequency). This variant has not been reported in the literature in individuals affected with MTOR-related conditions. ClinVar contains an entry for this variant (Variation ID: 639135). Invitae Evidence Modeling of protein sequence and biophysical properties (such as structural, functional, and spatial information, amino acid conservation, physicochemical variation, residue mobility, and thermodynamic stability) indicates that this missense variant is not expected to disrupt MTOR protein function with a negative predictive value of 95%. In summary, the available evidence is currently insufficient to determine the role of this variant in disease. Therefore, it has been classified as a Variant of Uncertain Significance.